The following is an entry in ClinVar:

NM_000540.3(RYR1):c.12750C>A (p.Ile4250=)

Gene: RYR1 (ryanodine receptor 1; plus strand). Cytogenetic location: 19q13.2.
Variant type: single nucleotide variant.
Coding change: c.12750C>A on transcript NM_000540.3 (MANE Select); coding-DNA position 12750, C replaced by A.
Protein change: p.Ile4250=; no amino-acid change (isoleucine 4250 retained).
Molecular consequence: synonymous variant.
Genome position (GRCh38, 1-based): chr19:38,565,084, C>A. VCF-style: chr19-38565084-C-A. GRCh37 (hg19) VCF-style: chr19-39055724-C-A.
Other names: c.12735C>A, p.Ile4245= (NM_001042723.2).
Identifiers: ClinVar variation 704606 (VCV000704606.14), dbSNP rs113553675, ClinGen allele CA059395.
Genomic context (GRCh38, chr19:38,565,084, plus strand): 5'-GGAGCTCTTCGTGAGTTTCTGCGAGGACACCATCTTCGAGATGCAGATCGCCGCGCAGAT[C>A]TCGGAGCCCGAGGGCGAGCCGGAGACCGACGAGGACGAGGGCGCGGGCGCGGCGGAGGCG-3'
Protein context (NP_000531.2, residues 4240-4260): TIFEMQIAAQ[Ile4250=]SEPEGEPETD

ClinVar aggregate classification (germline): Likely benign. Review status: criteria provided, multiple submitters, no conflicts (2 of 4 stars). 4 submissions from 4 submitters: Likely benign (3). 1 of the submissions does not count toward it. Last evaluated 2026-09-01.

Conditions:
RYR1-related disorder. Also called: RYR1-related disorders; RYR1-related condition. Identifiers: MedGen CN239331.

Allele frequency attached by ClinVar (database versions not stated): ExAC below 0.00001; gnomAD 0.00001; TOPMed 0.00003; gnomAD exomes 0.00005.
gnomAD v4.1: 13 of 1,555,430 alleles (0.00084%); highest among the groups gnomAD compares: Admixed American, 0.023%; no homozygotes.

Submissions (4):

CeGaT Center for Human Genetics Tuebingen
Classification: Likely benign. Last evaluated: 2026-09-01. Review status: criteria provided, single submitter. Criteria: CeGaT Center For Human Genetics Tuebingen Variant Classification Criteria Version 2. Collection method: clinical testing. Allele origin: germline. Affected: yes. Observed: 1 variant allele.
Comment: RYR1: BP4, BP7

Labcorp Genetics (formerly Invitae), Labcorp
Classification: Likely benign for RYR1-related disorder. Last evaluated: 2026-01-24. Review status: criteria provided, single submitter. Criteria: Invitae Variant Classification Sherloc (09022015). Collection method: clinical testing. Allele origin: germline.

Blueprint Genetics
Classification: Likely benign. Last evaluated: 2022-10-31. Review status: criteria provided, single submitter. Criteria: ACMG Guidelines, 2015. Collection method: clinical testing. Allele origin: germline.

PreventionGenetics, part of Exact Sciences
Classification: Likely benign for RYR1-related condition. Last evaluated: 2021-10-06. Review status: no assertion criteria provided. Collection method: clinical testing. Allele origin: germline. Not counted in ClinVar's aggregate classification.
Comment: This variant is classified as likely benign based on ACMG/AMP sequence variant interpretation guidelines (Richards et al. 2015 PMID: 25741868, with internal and published modifications).